The following is an entry in ClinVar:

ClinVar aggregate classification (germline): Uncertain significance (1 of 4 stars; one submission).

Submission:

Labcorp Genetics (formerly Invitae), Labcorp
Classification: Uncertain significance. Last evaluated: 2024-03-14. Review status: criteria provided, single submitter. Criteria: Invitae Variant Classification Sherloc (09022015). Collection method: clinical testing. Allele origin: germline.
Comment: This sequence change replaces arginine, which is basic and polar, with proline, which is neutral and non-polar, at codon 826 of the RNF213 protein (p.Arg826Pro). This variant is not present in population databases (gnomAD no frequency). This variant has not been reported in the literature in individuals affected with RNF213-related conditions. Advanced modeling of protein sequence and biophysical properties (such as structural, functional, and spatial information, amino acid conservation, physicochemical variation, residue mobility, and thermodynamic stability) performed at Invitae indicates that this missense variant is not expected to disrupt RNF213 protein function with a negative predictive value of 95%. In summary, the available evidence is currently insufficient to determine the role of this variant in disease. Therefore, it has been classified as a Variant of Uncertain Significance.

NM_001256071.3(RNF213):c.2477G>C (p.Arg826Pro)

Gene: RNF213 (ring finger protein 213; plus strand). Cytogenetic location: 17q25.3.
Variant type: single nucleotide variant.
Coding change: c.2477G>C on transcript NM_001256071.3 (MANE Select); coding-DNA position 2477, G replaced by C.
Protein change: p.Arg826Pro; replaces arginine 826 with proline.
Molecular consequence: missense variant.
Genome position (GRCh38, 1-based): chr17:80,307,177, G>C. VCF-style: chr17-80307177-G-C. GRCh37 (hg19) VCF-style: chr17-78280977-G-C.
Other names: c.2624G>C, p.Arg875Pro (NM_001410195.1, NM_020914.5); c.2477G>C, p.Arg826Pro (NM_020954.4); short protein forms R875P, R826P.
Identifiers: ClinVar variation 3634770 (VCV003634770.2).
Genomic context (GRCh38, chr17:80,307,177, plus strand): 5'-CTCTGCCTTAGGATGTTCAGGATGTTCAGAACGTTCAGAACATTTTAGAAATGCTGTTGC[G>C]ACTCCTGGACACTTACCGGGACAAGTAAGTGGAAAGCACGATGCAGTCTCTCCCTCACAT-3'
Protein context (NP_001243000.2, residues 816-836): NVQNILEMLL[Arg826Pro]LLDTYRDKIP